The following is an entry in ClinVar:

ClinVar aggregate classification (germline): Uncertain significance (1 of 4 stars; one submission).

Conditions:
Atrioventricular septal defect 5 (AVSD5). Identifiers: MedGen C3280939, MONDO:0013769, OMIM 614474.

Submission:

Labcorp Genetics (formerly Invitae), Labcorp
Classification: Uncertain significance for Atrioventricular septal defect 5. Last evaluated: 2022-03-12. Review status: criteria provided, single submitter. Criteria: Invitae Variant Classification Sherloc (09022015). Collection method: clinical testing. Allele origin: germline.
Comment: This variant has not been reported in the literature in individuals affected with GATA6-related conditions. This variant is not present in population databases (gnomAD no frequency). This sequence change replaces proline, which is neutral and non-polar, with threonine, which is neutral and polar, at codon 223 of the GATA6 protein (p.Pro223Thr). Algorithms developed to predict the effect of missense changes on protein structure and function (SIFT, PolyPhen-2, Align-GVGD) all suggest that this variant is likely to be tolerated. In summary, the available evidence is currently insufficient to determine the role of this variant in disease. Therefore, it has been classified as a Variant of Uncertain Significance.

NM_005257.6(GATA6):c.667C>A (p.Pro223Thr)

Gene: GATA6 (GATA binding protein 6; plus strand). Cytogenetic location: 18q11.2.
Variant type: single nucleotide variant.
Coding change: c.667C>A on transcript NM_005257.6 (MANE Select); coding-DNA position 667, C replaced by A.
Protein change: p.Pro223Thr; replaces proline 223 with threonine.
Molecular consequence: missense variant.
Genome position (GRCh38, 1-based): chr18:22,171,811, C>A. VCF-style: chr18-22171811-C-A. GRCh37 (hg19) VCF-style: chr18-19751772-C-A.
Other names: short protein forms P223T.
Identifiers: ClinVar variation 2109599 (VCV002109599.4), dbSNP rs2510626070, ClinGen allele CA401800419.